The following is an entry in ClinVar:

NM_198834.3(ACACA):c.5134C>T (p.Arg1712Ter)

Gene: ACACA (acetyl-CoA carboxylase alpha; minus strand). Cytogenetic location: 17q12.
Variant type: single nucleotide variant.
Coding change: c.5134C>T on transcript NM_198834.3 (MANE Select); coding-DNA position 5134, C replaced by T.
Protein change: p.Arg1712Ter; replaces arginine 1712 with a stop codon.
Molecular consequence: nonsense.
Genome position (GRCh38, 1-based): chr17:37,161,996, G>A on the plus strand (C>T on the coding strand, the complement: ACACA is on the minus strand). VCF-style: chr17-37161996-G-A. GRCh37 (hg19) VCF-style: chr17-35518910-G-A.
Other names: c.5023C>T, p.Arg1675Ter (NM_198836.3, NM_198839.3); c.4849C>T, p.Arg1617Ter (NM_198837.2); c.4789C>T, p.Arg1597Ter (NM_198838.2); short protein forms R1597*, R1617*, R1712*, R1675*.
Identifiers: ClinVar variation 2787038 (VCV002787038.3), dbSNP rs1435392082, ClinGen allele CA399181776.

ClinVar aggregate classification (germline): Uncertain significance (1 of 4 stars; one submission).

Allele frequency attached by ClinVar (database versions not stated): TOPMed below 0.00001; gnomAD 0.00001.
gnomAD v4.1: 1 of 1,613,956 alleles (0.000062%); highest among the groups gnomAD compares: Non-Finnish European, 0.000085%; no homozygotes.

Submission:

Labcorp Genetics (formerly Invitae), Labcorp
Classification: Uncertain significance. Last evaluated: 2023-03-03. Review status: criteria provided, single submitter. Criteria: Invitae Variant Classification Sherloc (09022015). Collection method: clinical testing. Allele origin: germline.
Comment: This sequence change creates a premature translational stop signal (p.Arg1675*) in the ACACA gene. It is expected to result in an absent or disrupted protein product. However, the current clinical and genetic evidence is not sufficient to establish whether loss-of-function variants in ACACA cause disease. This variant is not present in population databases (gnomAD no frequency). This variant has not been reported in the literature in individuals affected with ACACA-related conditions. In summary, the available evidence is currently insufficient to determine the role of this variant in disease. Therefore, it has been classified as a Variant of Uncertain Significance.